The following is an entry in ClinVar:

ClinVar aggregate classification (germline): Likely benign (1 of 4 stars; one submission).

gnomAD v4.1: 13 of 1,493,972 alleles (0.00087%); highest among the groups gnomAD compares: Non-Finnish European, 0.0012%; no homozygotes.

Submission:

CeGaT Center for Human Genetics Tuebingen
Classification: Likely benign. Last evaluated: 2026-05-01. Review status: criteria provided, single submitter. Criteria: CeGaT Center For Human Genetics Tuebingen Variant Classification Criteria Version 2. Collection method: clinical testing. Allele origin: germline. Affected: yes. Observed: 1 variant allele.
Comment: KIF19: BP4, BP7

NM_153209.4(KIF19):c.1668C>G (p.Ser556=)

Gene: KIF19 (kinesin family member 19; plus strand). Cytogenetic location: 17q25.1.
Variant type: single nucleotide variant.
Coding change: c.1668C>G on transcript NM_153209.4 (MANE Select); coding-DNA position 1668, C replaced by G.
Protein change: p.Ser556=; no amino-acid change (serine 556 retained).
Molecular consequence: synonymous variant.
Genome position (GRCh38, 1-based): chr17:74,351,947, C>G. VCF-style: chr17-74351947-C-G. GRCh37 (hg19) VCF-style: chr17-72348086-C-G.
Identifiers: ClinVar variation 4872293 (VCV004872293.2).